The following is an entry in ClinVar:

NM_020708.5(SLC12A5):c.1112G>A (p.Arg371Lys)

Gene: SLC12A5 (solute carrier family 12 member 5; plus strand). Cytogenetic location: 20q13.12.
Variant type: single nucleotide variant.
Coding change: c.1112G>A on transcript NM_020708.5 (MANE Select); coding-DNA position 1112, G replaced by A.
Protein change: p.Arg371Lys; replaces arginine 371 with lysine.
Molecular consequence: missense variant.
Genome position (GRCh38, 1-based): chr20:46,043,198, G>A. VCF-style: chr20-46043198-G-A. GRCh37 (hg19) VCF-style: chr20-44671837-G-A.
Other names: c.1181G>A, p.Arg394Lys (NM_001134771.2); short protein forms R371K, R394K.
Identifiers: ClinVar variation 1377339 (VCV001377339.8), dbSNP rs2145491395, ClinGen allele CA409191645.

ClinVar aggregate classification (germline): Uncertain significance (1 of 4 stars; one submission).

Conditions:
Developmental and epileptic encephalopathy, 34 (DEE34). Also called: Early infantile epileptic encephalopathy 34; SLC12A5-Related Epilepsy of Infancy with Migrating Focal Seizures. Identifiers: Orphanet 293181, MedGen C4225257, MONDO:0014718, OMIM 616645.

Submission:

Labcorp Genetics (formerly Invitae), Labcorp
Classification: Uncertain significance for Developmental and epileptic encephalopathy, 34. Last evaluated: 2021-03-08. Review status: criteria provided, single submitter. Criteria: Invitae Variant Classification Sherloc (09022015). Collection method: clinical testing. Allele origin: germline.
Comment: In summary, the available evidence is currently insufficient to determine the role of this variant in disease. Therefore, it has been classified as a Variant of Uncertain Significance. Advanced modeling of protein sequence and biophysical properties (such as structural, functional, and spatial information, amino acid conservation, physicochemical variation, residue mobility, and thermodynamic stability) performed at Invitae indicates that this missense variant is not expected to disrupt SLC12A5 protein function. This sequence change replaces arginine with lysine at codon 371 of the SLC12A5 protein (p.Arg371Lys). The arginine residue is weakly conserved and there is a small physicochemical difference between arginine and lysine. This variant is not present in population databases (ExAC no frequency). This variant has not been reported in the literature in individuals with SLC12A5-related conditions.